The following is an entry in ClinVar:

NM_017763.6(RNF43):c.197A>G (p.Glu66Gly)

Gene: RNF43 (ring finger protein 43; minus strand). Cytogenetic location: 17q22.
Variant type: single nucleotide variant.
Coding change: c.197A>G on transcript NM_017763.6 (MANE Select); coding-DNA position 197, A replaced by G.
Protein change: p.Glu66Gly; replaces glutamic acid 66 with glycine.
Molecular consequence: missense variant.
Genome position (GRCh38, 1-based): chr17:58,415,381, T>C on the plus strand (A>G on the coding strand, the complement: RNF43 is on the minus strand). VCF-style: chr17-58415381-T-C. GRCh37 (hg19) VCF-style: chr17-56492742-T-C.
Other names: c.197A>G, p.Glu66Gly (NM_001305544.3); c.197A>G (NM_017763.4); short protein forms E66G.
Identifiers: ClinVar variation 2174760 (VCV002174760.7), dbSNP rs1185708390, ClinGen allele CA400358024.

ClinVar aggregate classification (germline): Uncertain significance. Review status: criteria provided, multiple submitters, no conflicts (2 of 4 stars). 4 submissions from 4 submitters: Uncertain significance (4). Last evaluated 2025-01-14.

Conditions:
Sessile serrated polyposis cancer syndrome (SSPCS). Identifiers: Orphanet 157798, MedGen C4310714, MONDO:0014919, OMIM 617108.

Allele frequency attached by ClinVar (database versions not stated): gnomAD exomes below 0.00001; gnomAD 0.00001; TOPMed 0.00001.
gnomAD v4.1: 2 of 1,614,130 alleles (0.00012%); highest among the groups gnomAD compares: Middle Eastern, 0.016%; no homozygotes.

Submissions (4):

Ambry Genetics
Classification: Uncertain significance. Last evaluated: 2025-01-14. Review status: criteria provided, single submitter. Criteria: Ambry Variant Classification Scheme 2023. Collection method: clinical testing. Allele origin: germline.
Comment: The p.E66G variant (also known as c.197A>G), located in coding exon 1 of the RNF43 gene, results from an A to G substitution at nucleotide position 197. The glutamic acid at codon 66 is replaced by glycine, an amino acid with similar properties. This amino acid position is highly conserved in available vertebrate species. In addition, the in silico prediction for this alteration is inconclusive. The evidence for this gene-disease relationship is limited; therefore, the clinical significance of this alteration is unclear.

Labcorp Genetics (formerly Invitae), Labcorp
Classification: Uncertain significance. Last evaluated: 2024-09-10. Review status: criteria provided, single submitter. Criteria: Invitae Variant Classification Sherloc (09022015). Collection method: clinical testing. Allele origin: germline.
Comment: This sequence change replaces glutamic acid, which is acidic and polar, with glycine, which is neutral and non-polar, at codon 66 of the RNF43 protein (p.Glu66Gly). This variant is not present in population databases (gnomAD no frequency). This variant has not been reported in the literature in individuals affected with RNF43-related conditions. ClinVar contains an entry for this variant (Variation ID: 2174760). An algorithm developed to predict the effect of missense changes on protein structure and function (PolyPhen-2) suggests that this variant is likely to be disruptive. In summary, the available evidence is currently insufficient to determine the role of this variant in disease. Therefore, it has been classified as a Variant of Uncertain Significance.

Baylor Genetics
Classification: Uncertain significance for Sessile serrated polyposis cancer syndrome. Last evaluated: 2023-11-09. Review status: criteria provided, single submitter. Criteria: ACMG Guidelines, 2015. Collection method: clinical testing. Allele origin: unknown.

GeneDx
Classification: Uncertain significance. Last evaluated: 2022-03-30. Review status: criteria provided, single submitter. Criteria: GeneDx Variant Classification Process June 2021. Collection method: clinical testing. Allele origin: germline. Affected: yes.
Comment: Not observed at significant frequency in large population cohorts (gnomAD); In silico analysis supports that this missense variant does not alter protein structure/function; Has not been previously published as pathogenic or benign to our knowledge; Variants in candidate genes are classified as variants of uncertain significance in accordance with ACMG guidelines (Richards 2015)